The following is an entry in ClinVar:

NM_000256.3(MYBPC3):c.1038_1042dupCGGCA

Gene: MYBPC3 (myosin binding protein C3; minus strand). Cytogenetic location: 11p11.2.
Variant type: Duplication.
Coding change: c.1038_1042dupCGGCA on transcript NM_000256.3 (MANE Select); coding-DNA positions 1038 to 1042, 5 bases duplicated (CGGCA).
Genome position (GRCh38, 1-based): chr11:47,346,255-47,346,259, TGCCG duplicated on the plus strand (CGGCA on the coding strand, the reverse complement: MYBPC3 is on the minus strand). VCF-style (leftmost placement, unchanged base first): chr11-47346254-A-ATGCCG. GRCh37 (hg19) VCF-style: chr11-47367805-A-ATGCCG.
Other names: p.Met348ThrfsX4.
Identifiers: ClinVar variation 177698 (VCV000177698.21), dbSNP rs730880336, ClinGen allele CA273429.

ClinVar aggregate classification (germline): Pathogenic. Review status: criteria provided, multiple submitters, no conflicts (2 of 4 stars). 6 submissions from 6 submitters: Pathogenic (6). Last evaluated 2025-12-21.

Conditions:
Left ventricular noncompaction. Identifiers: Orphanet 54260, MedGen C1960469, MONDO:0018901, HP:0030682.
Cardiomyopathy (CMYO). Also called: Cardiomyopathies. Identifiers: Orphanet 167848, MedGen C0878544, MONDO:0004994, HP:0001638. Inheritance: Various modes of inheritance.
Hypertrophic cardiomyopathy 4. Also called: Familial hypertrophic cardiomyopathy 4. Identifiers: MedGen C1861862, MONDO:0007268, OMIM 115197.
Hypertrophic cardiomyopathy. Also called: HYPERTROPHIC MYOCARDIOPATHY. Identifiers: Orphanet 217569, MedGen C0007194, MeSH D002312, MONDO:0005045, HP:0001639.

Allele frequency attached by ClinVar (database versions not stated): gnomAD exomes below 0.00001; ExAC 0.00001.

Submissions (6):

Labcorp Genetics (formerly Invitae), Labcorp
Classification: Pathogenic for Hypertrophic cardiomyopathy. Last evaluated: 2025-12-21. Review status: criteria provided, single submitter. Criteria: Invitae Variant Classification Sherloc (09022015). Collection method: clinical testing. Allele origin: germline.
Comment: This sequence change creates a premature translational stop signal (p.Met348Thrfs*4) in the MYBPC3 gene. It is expected to result in an absent or disrupted protein product. Loss-of-function variants in MYBPC3 are known to be pathogenic (PMID: 19574547). This variant is present in population databases (rs730880336, gnomAD 0.006%). This premature translational stop signal has been observed in individual(s) with hypertrophic cardiomyopathy (PMID: 23711808, 27532257, 29907873). ClinVar contains an entry for this variant (Variation ID: 177698). Algorithms developed to predict the effect of sequence changes on RNA splicing suggest that this variant may disrupt the consensus splice site. For these reasons, this variant has been classified as Pathogenic.

GeneDx
Classification: Pathogenic. Last evaluated: 2017-03-24. Review status: criteria provided, single submitter. Criteria: GeneDx Variant Classification (06012015). Collection method: clinical testing. Allele origin: germline. Affected: yes.
Comment: The c.1038_1042dupCGGCA pathogenic variant in the MYBPC3 gene has been previously reported in at least one Chinese family in association with HCM and was absent from 200 control alleles (Xie et al., 2005; Pan et al., 2006; Liu et al., 2013). It is also reported as a pathogenic variant in ClinVar by at least one other clinical laboratory in association with HCM (ClinVar SCV000203958.3; Landrum et al., 2016). This variant causes a shift in reading frame starting at codon Methionine 348, changing it to a Threonine, and creating a premature stop codon at position 4 of the new reading frame, denoted p.Met348ThrfsX4. This pathogenic variant is expected to result in either an abnormal, truncated protein product or loss of protein from this allele through nonsense-mediated mRNA decay. Multiple other downstream frameshift variants in the MYBPC3 gene have been reported in HGMD in association with HCM (Stenson et al., 2014). Furthermore, c.1038_1042dupCGGCA was not observed in approximately 6,400 individuals of European and African American ancestry in the NHLBI Exome Sequencing Project, indicating it is not a common benign variant in these populations. In summary, c.1038_1042dupCGGCA in the MYBPC3 gene is interpreted as a pathogenic variant.

CHEO Genetics Diagnostic Laboratory, Children's Hospital of Eastern Ontario
Classification: Pathogenic for Cardiomyopathy. Last evaluated: 2017-02-03. Review status: criteria provided, single submitter. Criteria: ACMG Guidelines, 2015. Collection method: clinical testing. Allele origin: germline. Study: Canadian Open Genetics Repository.

Laboratory for Molecular Medicine, Mass General Brigham Personalized Medicine
Classification: Pathogenic for Hypertrophic cardiomyopathy. Last evaluated: 2013-03-05. Review status: criteria provided, single submitter. Criteria: LMM Criteria. Collection method: clinical testing. Allele origin: germline. Inheritance: Autosomal dominant inheritance. Observed: 1 variant allele.
Comment: proposed classification - variant undergoing re-assessment, contact laboratory

Clinical Genetics Service, Universitary Hospital 12 de Octubre
Classification: Pathogenic for Hypertrophic cardiomyopathy 4. Review status: criteria provided, single submitter. Criteria: ACMG Guidelines, 2015. Collection method: clinical testing. Allele origin: germline. Affected: yes.

Molecular Diagnostic Laboratory for Inherited Cardiovascular Disease, Montreal Heart Institute
Classification: Pathogenic for Left ventricular noncompaction. Review status: criteria provided, single submitter. Criteria: ACMG Guidelines, 2015. Collection method: clinical testing. Allele origin: germline. Affected: yes.

Literature cited by the submitters: PubMed 19574547 (cited by Labcorp Genetics (formerly Invitae), Labcorp); PubMed 23711808 (cited by Labcorp Genetics (formerly Invitae), Labcorp); PubMed 27532257 (cited by Labcorp Genetics (formerly Invitae), Labcorp); PubMed 29907873 (cited by Labcorp Genetics (formerly Invitae), Labcorp); PubMed 16061003 (cited by Laboratory for Molecular Medicine, Mass General Brigham Personalized Medicine).